The following is an entry in ClinVar:

NM_013432.5(TONSL):c.3387G>A (p.Gln1129=)

Gene: TONSL (tonsoku like, DNA repair protein; minus strand). Cytogenetic location: 8q24.3.
Variant type: single nucleotide variant.
Coding change: c.3387G>A on transcript NM_013432.5 (MANE Select); coding-DNA position 3387, G replaced by A.
Protein change: p.Gln1129=; no amino-acid change (glutamine 1129 retained).
Molecular consequence: synonymous variant.
Genome position (GRCh38, 1-based): chr8:144,433,978, C>T on the plus strand (G>A on the coding strand, the complement: TONSL is on the minus strand). VCF-style: chr8-144433978-C-T. GRCh37 (hg19) VCF-style: chr8-145659361-C-T.
Identifiers: ClinVar variation 1965831 (VCV001965831.5), dbSNP rs1554879315, ClinGen allele CA463556723.

ClinVar aggregate classification (germline): Uncertain significance (1 of 4 stars; one submission).

Allele frequency attached by ClinVar (database versions not stated): gnomAD exomes below 0.00001; TOPMed below 0.00001.
gnomAD v4.1: 1 of 1,580,650 alleles (0.000063%); highest among the groups gnomAD compares: Non-Finnish European, 0.000086%; no homozygotes.

Submission:

Labcorp Genetics (formerly Invitae), Labcorp
Classification: Uncertain significance. Last evaluated: 2025-01-06. Review status: criteria provided, single submitter. Criteria: Invitae Variant Classification Sherloc (09022015). Collection method: clinical testing. Allele origin: germline.
Comment: This sequence change affects codon 1129 of the TONSL mRNA. It is a 'silent' change, meaning that it does not change the encoded amino acid sequence of the TONSL protein. This variant also falls at the last nucleotide of exon 21, which is part of the consensus splice site for this exon. The frequency data for this variant in the population databases is considered unreliable, as metrics indicate poor data quality at this position in the gnomAD database. This variant has not been reported in the literature in individuals affected with TONSL-related conditions. ClinVar contains an entry for this variant (Variation ID: 1965831). Variants that disrupt the consensus splice site are a relatively common cause of aberrant splicing (PMID: 17576681, 9536098). Algorithms developed to predict the effect of sequence changes on RNA splicing suggest that this variant may disrupt the consensus splice site. In summary, the available evidence is currently insufficient to determine the role of this variant in disease. Therefore, it has been classified as a Variant of Uncertain Significance.

Literature cited by the submitters: PubMed 17576681; PubMed 9536098.